The following is an entry in ClinVar:

ClinVar aggregate classification (germline): Likely pathogenic. Review status: criteria provided, multiple submitters, no conflicts (2 of 4 stars). 2 submissions from 2 submitters: Likely pathogenic (2). Last evaluated 2025-01-15.

Conditions:
Sphingomyelin/cholesterol lipidosis. Also called: Niemann-Pick disease. Identifiers: MedGen C0028064, MONDO:0001982.
Niemann-Pick disease, type A. Also called: Infantile Neurovisceral ASMD (Niemann-Pick Disease Type A; NPD-A); SPHINGOMYELIN LIPIDOSIS; SPHINGOMYELINASE DEFICIENCY. Identifiers: Orphanet 77292, MedGen C0268242, MONDO:0009756, OMIM 257200. Disease mechanism: loss of function.

Submissions (2):

Natera, Inc.
Classification: Likely pathogenic for Niemann-Pick Disease, Types A/B. Last evaluated: 2025-01-15. Review status: criteria provided, single submitter. Criteria: Natera Variant Classification Schema (03/2026). Collection method: clinical testing. Allele origin: germline.
Comment: The c.1716C>G variant in SMPD1 is a missense variant predicted to cause substitution of phenylalanine to leucine at amino acid 572. This variant is rare in the general population with a frequency below the threshold expected for the associated phenotype(s). This variant has been observed in one or more individuals affected with the associated recessive disease, as either homozygous or compound heterozygous with a second variant (PMID: 36964991, 23430884). This variant has been observed to segregate in affected family members (PMID: 36964991). Functional studies show that this variant may disrupt protein function (PMID: 23430884). Computational prediction algorithms indicate this variant is likely to affect gene or protein function. Given the available evidence, this variant is classified as Likely Pathogenic.

Women's Health and Genetics/Laboratory Corporation of America, LabCorp
Classification: Likely pathogenic for Sphingomyelin/cholesterol lipidosis. Last evaluated: 2023-08-02. Review status: criteria provided, single submitter. Criteria: LabCorp Variant Classification Summary - May 2015. Collection method: clinical testing. Allele origin: germline.
Comment: Variant summary: SMPD1 c.1716C>G (p.Phe572Leu) results in a non-conservative amino acid change to a well-conserved residue (HGMD) located in the Sphingomyelin phosphodiesterase, C-terminal domain (IPR045473) of the encoded protein sequence. Four of five in-silico tools predict a damaging effect of the variant on protein function. The variant was absent in 251488 control chromosomes (gnomAD). c.1716C>G has been reported in the literature in an individual affected with Niemann-Pick Disease who was compound heterozygous with a likely pathogenic variant (Toth_2012). These data suggest the variant may be associated with disease. At least one publication reports experimental evidence evaluating an impact on protein function, finding that the variant effect results in <30% of normal acid sphingomyelinase activity (Toth_2012). The following publication has been ascertained in the context of this evaluation (PMID: 23430884). No submitters have cited clinical-significance assessments for this variant to ClinVar after 2014. Based on the evidence outlined above, the variant was classified as likely pathogenic.

Literature cited by the submitters: PubMed 36964991 (cited by Natera, Inc.); PubMed 23430884 (cited by Natera, Inc. and Women's Health and Genetics/Laboratory Corporation of America, LabCorp).

NM_000543.5(SMPD1):c.1716C>G (p.Phe572Leu)

Gene: SMPD1 (sphingomyelin phosphodiesterase 1; plus strand). Cytogenetic location: 11p15.4.
Variant type: single nucleotide variant.
Coding change: c.1716C>G on transcript NM_000543.5 (MANE Select); coding-DNA position 1716, C replaced by G.
Protein change: p.Phe572Leu; replaces phenylalanine 572 with leucine.
Molecular consequence: missense variant. On other transcripts: 3 prime UTR variant (1), non-coding transcript variant (2).
Genome position (GRCh38, 1-based): chr11:6,394,427, C>G. VCF-style: chr11-6394427-C-G. GRCh37 (hg19) VCF-style: chr11-6415657-C-G.
Other names: c.1713C>G, p.Phe571Leu (NM_001007593.3); c.*209C>G (NM_001318087.2); c.795C>G, p.Phe265Leu (NM_001318088.2); c.1584C>G, p.Phe528Leu (NM_001365135.2); short protein forms F265L, F528L, F571L, F572L.
Identifiers: ClinVar variation 2581711 (VCV002581711.2), dbSNP rs2493823426, ClinGen allele CA379376871.
Genomic context (GRCh38, chr11:6,394,427, plus strand): 5'-TACCGCCTGGCACAACCTGGTATATCGCATGCGGGGCGACATGCAACTTTTCCAGACCTT[C>G]TGGTTTCTCTACCATAAGGGCCACCCACCCTCGGAGCCCTGTGGCACGCCCTGCCGTCTG-3'
Protein context (NP_000534.3, residues 562-582): MRGDMQLFQT[Phe572Leu]WFLYHKGHPP